The following is an entry in ClinVar:

NM_003737.4(DCHS1):c.5854G>A (p.Asp1952Asn)

Gene: DCHS1 (dachsous cadherin-related 1; minus strand). Cytogenetic location: 11p15.4.
Variant type: single nucleotide variant.
Coding change: c.5854G>A on transcript NM_003737.4 (MANE Select); coding-DNA position 5854, G replaced by A.
Protein change: p.Asp1952Asn; replaces aspartic acid 1952 with asparagine.
Molecular consequence: missense variant.
Genome position (GRCh38, 1-based): chr11:6,627,185, C>T on the plus strand (G>A on the coding strand, the complement: DCHS1 is on the minus strand). VCF-style: chr11-6627185-C-T. GRCh37 (hg19) VCF-style: chr11-6648416-C-T.
Other names: short protein forms D1952N.
Identifiers: ClinVar variation 3618402 (VCV003618402.2).

ClinVar aggregate classification (germline): Uncertain significance (1 of 4 stars; one submission).

gnomAD v4.1: 7 of 1,612,844 alleles (0.00043%); highest among the groups gnomAD compares: Non-Finnish European, 0.00059%; no homozygotes.

Submission:

Labcorp Genetics (formerly Invitae), Labcorp
Classification: Uncertain significance. Last evaluated: 2024-10-24. Review status: criteria provided, single submitter. Criteria: Invitae Variant Classification Sherloc (09022015). Collection method: clinical testing. Allele origin: germline.
Comment: This sequence change replaces aspartic acid, which is acidic and polar, with asparagine, which is neutral and polar, at codon 1952 of the DCHS1 protein (p.Asp1952Asn). This variant is not present in population databases (gnomAD no frequency). This variant has not been reported in the literature in individuals affected with DCHS1-related conditions. Invitae Evidence Modeling of protein sequence and biophysical properties (such as structural, functional, and spatial information, amino acid conservation, physicochemical variation, residue mobility, and thermodynamic stability) has been performed for this missense variant. However, the output from this modeling did not meet the statistical confidence thresholds required to predict the impact of this variant on DCHS1 protein function. In summary, the available evidence is currently insufficient to determine the role of this variant in disease. Therefore, it has been classified as a Variant of Uncertain Significance.